The following is an entry in ClinVar:

NM_017514.5(PLXNA3):c.1930T>C (p.Cys644Arg)

Gene: PLXNA3 (plexin A3; plus strand). Cytogenetic location: Xq28.
Variant type: single nucleotide variant.
Coding change: c.1930T>C on transcript NM_017514.5 (MANE Select); coding-DNA position 1930, T replaced by C.
Protein change: p.Cys644Arg; replaces cysteine 644 with arginine.
Molecular consequence: missense variant.
Genome position (GRCh38, 1-based): chrX:154,464,755, T>C. VCF-style: chrX-154464755-T-C. GRCh37 (hg19) VCF-style: chrX-153693098-T-C.
Other names: short protein forms C644R.
Identifiers: ClinVar variation 3350057 (VCV003350057.1).

ClinVar aggregate classification (germline): Uncertain significance (0 of 4 stars; one submission).

Conditions:
PLXNA3-related disorder. Also called: PLXNA3-related condition.

Submission:

PreventionGenetics, part of Exact Sciences
Classification: Uncertain significance for PLXNA3-related condition. Last evaluated: 2024-02-02. Review status: no assertion criteria provided. Collection method: clinical testing. Allele origin: germline.
Comment: The PLXNA3 c.1930T>C variant is predicted to result in the amino acid substitution p.Cys644Arg. To our knowledge, this variant has not been reported in the literature or in a large population database, indicating this variant is rare. At this time, the clinical significance of this variant is uncertain due to the absence of conclusive functional and genetic evidence.